The following is an entry in ClinVar:

NM_002890.3(RASA1):c.2027A>T (p.Gln676Leu)

Genes: CCNH (cyclin H; minus strand), RASA1 (RAS p21 protein activator 1; plus strand). Cytogenetic location: 5q14.3.
Variant type: single nucleotide variant.
Coding change: c.2027A>T on transcript NM_002890.3 (MANE Select); coding-DNA position 2027, A replaced by T.
Protein change: p.Gln676Leu; replaces glutamine 676 with leucine.
Molecular consequence: missense variant. On other transcripts: intron variant (1).
Genome position (GRCh38, 1-based): chr5:87,376,408, A>T. VCF-style: chr5-87376408-A-T. GRCh37 (hg19) VCF-style: chr5-86672225-A-T.
Other names: c.1496A>T, p.Gln499Leu (NM_022650.3); c.933+18636T>A (NM_001364075.2); short protein forms Q676L, Q499L.
Identifiers: ClinVar variation 2995288 (VCV002995288.4), dbSNP rs1425470015, ClinGen allele CA360378038.

ClinVar aggregate classification (germline): Conflicting classifications of pathogenicity. Review status: criteria provided, conflicting classifications (1 of 4 stars). 2 submissions from 2 submitters: Uncertain significance (1); Likely benign (1). Last evaluated 2024-04-01.

Conditions:
Cardiovascular phenotype. Identifiers: MedGen CN230736.
Capillary malformation-arteriovenous malformation syndrome. Also called: Capillary malformation-arteriovenous malformation. Identifiers: Orphanet 137667, MedGen C1842180, MONDO:0012016.

Allele frequency attached by ClinVar (database versions not stated): gnomAD exomes below 0.00001; TOPMed 0.00001.
gnomAD v4.1: 2 of 1,614,004 alleles (0.00012%); highest among the groups gnomAD compares: African/African-American, 0.0027%; no homozygotes.

Submissions (2):

Ambry Genetics
Classification: Likely benign for Cardiovascular phenotype. Last evaluated: 2024-04-01. Review status: criteria provided, single submitter. Criteria: Ambry Variant Classification Scheme 2023. Collection method: clinical testing. Allele origin: germline.

Labcorp Genetics (formerly Invitae), Labcorp
Classification: Uncertain significance for Capillary malformation-arteriovenous malformation syndrome. Last evaluated: 2024-03-09. Review status: criteria provided, single submitter. Criteria: Invitae Variant Classification Sherloc (09022015). Collection method: clinical testing. Allele origin: germline.
Comment: This sequence change replaces glutamine, which is neutral and polar, with leucine, which is neutral and non-polar, at codon 676 of the RASA1 protein (p.Gln676Leu). This variant is present in population databases (no rsID available, gnomAD 0.01%). This variant has not been reported in the literature in individuals affected with RASA1-related conditions. An algorithm developed to predict the effect of missense changes on protein structure and function (PolyPhen-2) suggests that this variant is likely to be tolerated. In summary, the available evidence is currently insufficient to determine the role of this variant in disease. Therefore, it has been classified as a Variant of Uncertain Significance.